The following is an entry in ClinVar:

ClinVar aggregate classification (germline): Uncertain significance (1 of 4 stars; one submission).

Submission:

GeneDx
Classification: Uncertain significance. Last evaluated: 2022-08-30. Review status: criteria provided, single submitter. Criteria: GeneDx Variant Classification Process June 2021. Collection method: clinical testing. Allele origin: germline. Affected: yes.
Comment: Not observed at significant frequency in large population cohorts (gnomAD); In silico analysis supports that this missense variant has a deleterious effect on protein structure/function; Has not been previously published as pathogenic or benign to our knowledge

NM_001291415.2(KDM6A):c.3770T>C (p.Val1257Ala)

Gene: KDM6A (lysine demethylase 6A; plus strand). Cytogenetic location: Xp11.3.
Variant type: single nucleotide variant.
Coding change: c.3770T>C on transcript NM_001291415.2 (MANE Select); coding-DNA position 3770, T replaced by C.
Protein change: p.Val1257Ala; replaces valine 1257 with alanine.
Molecular consequence: missense variant. On other transcripts: non-coding transcript variant (1).
Genome position (GRCh38, 1-based): chrX:45,089,808, T>C. VCF-style: chrX-45089808-T-C. GRCh37 (hg19) VCF-style: chrX-44949053-T-C.
Other names: c.3635T>C, p.Val1212Ala (NM_001291416.2); c.3479T>C, p.Val1160Ala (NM_001291417.2); c.3377T>C, p.Val1126Ala (NM_001291418.2); c.2726T>C, p.Val909Ala (NM_001291421.2); c.3512T>C, p.Val1171Ala (NM_001410742.1); c.3614T>C, p.Val1205Ala (NM_021140.4); short protein forms V1126A, V1160A, V1171A, V1205A, V1212A, V1257A, V909A.
Identifiers: ClinVar variation 2442511 (VCV002442511.1), dbSNP rs2148193222, ClinGen allele CA412806913.